The following is an entry in ClinVar:

NM_183352.3(SEC13):c.927C>T (p.Ser309=)

Gene: SEC13 (SEC13 homolog, nuclear pore and COPII component; minus strand). Cytogenetic location: 3p25.3.
Variant type: single nucleotide variant.
Coding change: c.927C>T on transcript NM_183352.3 (MANE Select); coding-DNA position 927, C replaced by T.
Protein change: p.Ser309=; no amino-acid change (serine 309 retained).
Molecular consequence: synonymous variant.
Genome position (GRCh38, 1-based): chr3:10,301,303, G>A on the plus strand (C>T on the coding strand, the complement: SEC13 is on the minus strand). VCF-style: chr3-10301303-G-A. GRCh37 (hg19) VCF-style: chr3-10342987-G-A.
Other names: c.1065C>T, p.Ser355= (NM_001136026.3); c.885C>T, p.Ser295= (NM_001136232.3); c.936C>T, p.Ser312= (NM_030673.4).
Identifiers: ClinVar variation 2653520 (VCV002653520.24), dbSNP rs139150328, ClinGen allele CA2252528.
Genomic context (GRCh38, chr3:10,301,303, plus strand): 5'-CAGGCCCCACCTGTCTTGTCACTGCTCGTTCTGCTGGCCCTCTGTCACTGATGCTGATAC[G>A]GAGCCCTGGCCCTTGTTGACATCACTGATGCACACCCACTGCCCATCAACTGACTCCTTC-3'
Protein context (NP_899195.1, residues 299-319): CISDVNKGQG[Ser309=]VSASVTEGQQ

ClinVar aggregate classification (germline): Likely benign (1 of 4 stars; one submission).

Allele frequency attached by ClinVar (database versions not stated): 1000 Genomes Project 0.00060; ExAC 0.00261; gnomAD 0.00275; TOPMed 0.00320; ESP Exome Variant Server 0.00408; gnomAD exomes 0.00432.
gnomAD v4.1: 6,629 of 1,614,120 alleles (0.41%); highest among the groups gnomAD compares: Non-Finnish European, 0.51%; 26 homozygotes.

Submission:

CeGaT Center for Human Genetics Tuebingen
Classification: Likely benign. Last evaluated: 2023-04-01. Review status: criteria provided, single submitter. Criteria: CeGaT Center For Human Genetics Tuebingen Variant Classification Criteria Version 2. Collection method: clinical testing. Allele origin: germline. Affected: yes. Observed: 1 variant allele.
Comment: SEC13: BP4, BP7, BS2